The following is an entry in ClinVar:

NM_005562.3(LAMC2):c.*928A>G

Gene: LAMC2 (laminin subunit gamma 2; plus strand). Cytogenetic location: 1q25.3.
Variant type: single nucleotide variant.
Coding change: c.*928A>G on transcript NM_005562.3 (MANE Select); 928 bases downstream of the stop codon, A replaced by G.
Molecular consequence: 3 prime UTR variant.
Genome position (GRCh38, 1-based): chr1:183,244,328, A>G. VCF-style: chr1-183244328-A-G. GRCh37 (hg19) VCF-style: chr1-183213463-A-G.
Identifiers: ClinVar variation 294037 (VCV000294037.5), dbSNP rs553836, ClinGen allele CA10608414.

ClinVar aggregate classification (germline): Benign (1 of 4 stars; one submission).

Conditions:
Junctional epidermolysis bullosa. Identifiers: Orphanet 305, MedGen C0079301, MONDO:0017612.

Allele frequency attached by ClinVar (database versions not stated): 1000 Genomes Project 0.03874; TOPMed 0.04108; gnomAD 0.03722 and 0.04025.

Submission:

Illumina Laboratory Services, Illumina
Classification: Benign for Junctional epidermolysis bullosa. Last evaluated: 2018-01-13. Review status: criteria provided, single submitter. Criteria: ICSL Variant Classification Criteria 13 December 2019. Collection method: clinical testing. Allele origin: germline.
Comment: This variant was observed in the ICSL laboratory as part of a predisposition screen in an ostensibly healthy population. It had not been previously curated by ICSL or reported in the Human Gene Mutation Database (HGMD: prior to June 1st, 2018), and was therefore a candidate for classification through an automated scoring system. Utilizing variant allele frequency, disease prevalence and penetrance estimates, and inheritance mode, an automated score was calculated to assess if this variant is too frequent to cause the disease. Based on the score and internal cut-off values, a variant classified as benign is not then subjected to further curation. The score for this variant resulted in a classification of benign for this disease.